The following is an entry in ClinVar:

NC_000007.14:g.(?_16216046)_(16216217_?)del

Genes: CRPPA (CDP-L-ribitol pyrophosphorylase A; minus strand), CRPPA-AS1 (CRPPA antisense RNA 1; plus strand). Cytogenetic location: 7p21.2.
Variant type: Deletion.
Identifiers: ClinVar variation 540375 (VCV000540375.7).

ClinVar aggregate classification (germline): Likely pathogenic (1 of 4 stars; one submission).

Conditions:
Muscular dystrophy-dystroglycanopathy (congenital with brain and eye anomalies), type A, 7. Also called: WALKER-WARBURG SYNDROME OR MUSCLE-EYE-BRAIN DISEASE, ISPD-RELATED; Congenital muscular dystrophy-dystroglycanopathy with brain and eye anomalies, type A7. Identifiers: Orphanet 899, MedGen C3553330, MONDO:0013835, OMIM 614643.
Autosomal recessive limb-girdle muscular dystrophy type 2U. Also called: Muscular dystrophy-dystroglycanopathy (limb-girdle), type c, 7; MUSCULAR DYSTROPHY, LIMB-GIRDLE, TYPE 2U. Identifiers: Orphanet 352479, MedGen C5190987, MONDO:0014474, OMIM 616052.

Submission:

Labcorp Genetics (formerly Invitae), Labcorp
Classification: Likely pathogenic for Muscular dystrophy-dystroglycanopathy (congenital with brain and eye anomalies), type A, 7; Autosomal recessive limb-girdle muscular dystrophy type 2U. Last evaluated: 2023-10-13. Review status: criteria provided, single submitter. Criteria: Invitae Variant Classification Sherloc (09022015). Collection method: clinical testing. Allele origin: germline.
Comment: This variant is a gross deletion of the genomic region encompassing exon(s) 9 of the ISPD gene. This variant would be expected to be in-frame, preserving the integrity of the reading frame. This variant has not been reported in the literature in individuals affected with ISPD-related conditions. Other variant(s) that result in skipping of exon 9 have been determined to be pathogenic (PMID: 31909476). This suggests that this variant may also be clinically significant and likely to be disease-causing. In summary, the currently available evidence indicates that the variant is pathogenic, but additional data are needed to prove that conclusively. Therefore, this variant has been classified as Likely Pathogenic.

Literature cited by the submitters: PubMed 31909476.